The following is an entry in ClinVar:

NM_006885.4(ZFHX3):c.2716C>T (p.Leu906=)

Gene: ZFHX3 (zinc finger homeobox 3; minus strand). Cytogenetic location: 16q22.3.
Variant type: single nucleotide variant.
Coding change: c.2716C>T on transcript NM_006885.4 (MANE Select); coding-DNA position 2716, C replaced by T.
Protein change: p.Leu906=; no amino-acid change (leucine 906 retained).
Molecular consequence: synonymous variant. On other transcripts: intron variant (1).
Genome position (GRCh38, 1-based): chr16:72,957,430, G>A on the plus strand (C>T on the coding strand, the complement: ZFHX3 is on the minus strand). VCF-style: chr16-72957430-G-A. GRCh37 (hg19) VCF-style: chr16-72991329-G-A.
Other names: c.2716C>T, p.Leu906= (NM_001386735.1); c.-23-6465C>T (NM_001164766.2).
Identifiers: ClinVar variation 3040641 (VCV003040641.2), dbSNP rs143561313, ClinGen allele CA8164330.

ClinVar aggregate classification (germline): Likely benign (0 of 4 stars; one submission).

Conditions:
ZFHX3-related disorder. Also called: ZFHX3-related condition.

Allele frequency attached by ClinVar (database versions not stated): gnomAD 0.00015; TOPMed 0.00028; 1000 Genomes Project 0.00040; 1000 Genomes Project 30x 0.00047.
gnomAD v4.1: 249 of 1,607,580 alleles (0.015%); highest among the groups gnomAD compares: Admixed American, 0.4%; 2 homozygotes.

Submission:

PreventionGenetics, part of Exact Sciences
Classification: Likely benign for ZFHX3-related condition. Last evaluated: 2019-10-28. Review status: no assertion criteria provided. Collection method: clinical testing. Allele origin: germline.
Comment: This variant is classified as likely benign based on ACMG/AMP sequence variant interpretation guidelines (Richards et al. 2015 PMID: 25741868, with internal and published modifications).